The following is an entry in ClinVar:

NM_032043.3(BRIP1):c.842A>G (p.His281Arg)

Gene: BRIP1 (BRCA1 interacting DNA helicase 1; minus strand). Cytogenetic location: 17q23.2.
Variant type: single nucleotide variant.
Coding change: c.842A>G on transcript NM_032043.3 (MANE Select); coding-DNA position 842, A replaced by G.
Protein change: p.His281Arg; replaces histidine 281 with arginine.
Molecular consequence: missense variant.
Genome position (GRCh38, 1-based): chr17:61,808,543, T>C on the plus strand (A>G on the coding strand, the complement: BRIP1 is on the minus strand). VCF-style: chr17-61808543-T-C. GRCh37 (hg19) VCF-style: chr17-59885904-T-C.
Other names: short protein forms H281R.
Identifiers: ClinVar variation 1763338 (VCV001763338.9), dbSNP rs1603346710, ClinGen allele CA400484801.

ClinVar aggregate classification (germline): Uncertain significance. Review status: criteria provided, multiple submitters, no conflicts (2 of 4 stars). 4 submissions from 4 submitters: Uncertain significance (4). Last evaluated 2025-12-22.

Conditions:
Fanconi anemia complementation group J. Also called: BRIP1-Related Fanconi Anemia. Identifiers: Orphanet 84, MedGen C1836860, MONDO:0012187, OMIM 609054.
Familial cancer of breast. Also called: BREAST CANCER, FAMILIAL; hereditary breast carcinoma; Hereditary breast cancer. Identifiers: Orphanet 227535, MedGen C0346153, MONDO:0016419, OMIM 114480. Disease mechanism: loss of function.
Hereditary cancer-predisposing syndrome. Also called: Tumor predisposition; Hereditary Cancer Syndrome; Hereditary neoplastic syndrome; Neoplastic Syndromes, Hereditary. Identifiers: Orphanet 140162, MedGen C0027672, MeSH D009386, MONDO:0015356.

Submissions (4):

Ambry Genetics
Classification: Uncertain significance for Hereditary cancer-predisposing syndrome. Last evaluated: 2025-12-22. Review status: criteria provided, single submitter. Criteria: Ambry Variant Classification Scheme 2023. Collection method: clinical testing. Allele origin: germline.
Comment: The p.H281R variant (also known as c.842A>G), located in coding exon 6 of the BRIP1 gene, results from an A to G substitution at nucleotide position 842. The histidine at codon 281 is replaced by arginine, an amino acid with highly similar properties. This amino acid position is conserved. In addition, the in silico prediction for this alteration is inconclusive. Since supporting evidence is limited at this time, the clinical significance of this alteration remains unclear.

Labcorp Genetics (formerly Invitae), Labcorp
Classification: Uncertain significance for Familial cancer of breast; Fanconi anemia complementation group J. Last evaluated: 2024-06-13. Review status: criteria provided, single submitter. Criteria: Invitae Variant Classification Sherloc (09022015). Collection method: clinical testing. Allele origin: germline.
Comment: This sequence change replaces histidine, which is basic and polar, with arginine, which is basic and polar, at codon 281 of the BRIP1 protein (p.His281Arg). This variant is not present in population databases (gnomAD no frequency). This variant has not been reported in the literature in individuals affected with BRIP1-related conditions. ClinVar contains an entry for this variant (Variation ID: 1763338). Advanced modeling of protein sequence and biophysical properties (such as structural, functional, and spatial information, amino acid conservation, physicochemical variation, residue mobility, and thermodynamic stability) has been performed at Invitae for this missense variant, however the output from this modeling did not meet the statistical confidence thresholds required to predict the impact of this variant on BRIP1 protein function. In summary, the available evidence is currently insufficient to determine the role of this variant in disease. Therefore, it has been classified as a Variant of Uncertain Significance.

GeneDx
Classification: Uncertain significance. Last evaluated: 2023-10-25. Review status: criteria provided, single submitter. Criteria: GeneDx Variant Classification Process June 2021. Collection method: clinical testing. Allele origin: germline. Affected: yes.
Comment: Not observed at significant frequency in large population cohorts (gnomAD); In silico analysis supports that this missense variant has a deleterious effect on protein structure/function; Has not been previously published as pathogenic or benign to our knowledge

Baylor Genetics
Classification: Uncertain significance for Familial cancer of breast. Last evaluated: 2023-08-23. Review status: criteria provided, single submitter. Criteria: ACMG Guidelines, 2015. Collection method: clinical testing. Allele origin: unknown.